The following is an entry in ClinVar:

ClinVar aggregate classification (germline): Uncertain significance (1 of 4 stars; one submission).

Submission:

Women's Health and Genetics/Laboratory Corporation of America, LabCorp
Classification: Uncertain significance. Last evaluated: 2020-10-15. Review status: criteria provided, single submitter. Criteria: LabCorp Variant Classification Summary - May 2015. Collection method: clinical testing. Allele origin: germline.
Comment: Variant summary: The variant identified by MLPA or other technology involves the duplication of exon 41 in the DMD gene. A presumed nomenclature of c.(5739+1_5740-1)_(5922+1_5923-1)dup has been designated for the purposes of this classification. It has been assumed that this is a tandem duplication in direct orientation (Richardson_GIM_2018, Neuman_AJHG_2015). Although exact breakpoints of this duplication are not known, it is expected to result in an in-frame duplication change in the DMD gene. The variant was absent in 15850 control chromosomes (gnomAD, Structural Variants dataset). The available data on variant occurrences in the general population are insufficient to allow any conclusion about variant significance. To our knowledge, no occurrence of c.(5739+1_5740-1)_(5922+1_5923-1)dup in individuals affected with Dystrophinopathies and no experimental evidence demonstrating its impact on protein function have been reported. No clinical diagnostic laboratories have submitted clinical-significance assessments for this variant to ClinVar after 2014. Based on the evidence outlined above, the variant was classified as uncertain significance.

NC_000023.10:g.(32328394_32360216)_(32360400_32361250)dup

Gene: DMD (dystrophin; minus strand). Cytogenetic location: Xp21.1.
Variant type: Duplication.
Identifiers: ClinVar variation 984466 (VCV000984466.1).